The following is an entry in ClinVar:

NM_032119.4(ADGRV1):c.9007G>A (p.Ala3003Thr)

Gene: ADGRV1 (adhesion G protein-coupled receptor V1; plus strand). Cytogenetic location: 5q14.3.
Variant type: single nucleotide variant.
Coding change: c.9007G>A on transcript NM_032119.4 (MANE Select); coding-DNA position 9007, G replaced by A.
Protein change: p.Ala3003Thr; replaces alanine 3003 with threonine.
Molecular consequence: missense variant. On other transcripts: non-coding transcript variant (1).
Genome position (GRCh38, 1-based): chr5:90,711,287, G>A. VCF-style: chr5-90711287-G-A. GRCh37 (hg19) VCF-style: chr5-90007104-G-A.
Other names: c.9007G>A (NM_032119.3); short protein forms A3003T.
Identifiers: ClinVar variation 2129646 (VCV002129646.5), dbSNP rs953112443, ClinGen allele CA122804399.

ClinVar aggregate classification (germline): Uncertain significance. Review status: criteria provided, multiple submitters, no conflicts (2 of 4 stars). 2 submissions from 2 submitters: Uncertain significance (2). Last evaluated 2026-01-05.

gnomAD v4.1: 1 of 1,612,780 alleles (0.000062%); highest among the groups gnomAD compares: South Asian, 0.0011%; no homozygotes.

Submissions (2):

Labcorp Genetics (formerly Invitae), Labcorp
Classification: Uncertain significance. Last evaluated: 2026-01-05. Review status: criteria provided, single submitter. Criteria: Invitae Variant Classification Sherloc (09022015). Collection method: clinical testing. Allele origin: germline.
Comment: This sequence change replaces alanine, which is neutral and non-polar, with threonine, which is neutral and polar, at codon 3003 of the ADGRV1 protein (p.Ala3003Thr). This variant is not present in population databases (gnomAD no frequency). This variant has not been reported in the literature in individuals affected with ADGRV1-related conditions. ClinVar contains an entry for this variant (Variation ID: 2129646). Invitae Evidence Modeling of protein sequence and biophysical properties (such as structural, functional, and spatial information, amino acid conservation, physicochemical variation, residue mobility, and thermodynamic stability) indicates that this missense variant is not expected to disrupt ADGRV1 protein function with a negative predictive value of 80%. In summary, the available evidence is currently insufficient to determine the role of this variant in disease. Therefore, it has been classified as a Variant of Uncertain Significance.

GeneDx
Classification: Uncertain significance. Last evaluated: 2023-03-06. Review status: criteria provided, single submitter. Criteria: GeneDx Variant Classification Process June 2021. Collection method: clinical testing. Allele origin: germline. Affected: yes.
Comment: Not observed at significant frequency in large population cohorts (gnomAD); In silico analysis supports that this missense variant does not alter protein structure/function; Has not been previously published as pathogenic or benign to our knowledge